The following is an entry in ClinVar:

ClinVar aggregate classification (germline): Pathogenic (1 of 4 stars; one submission).

Conditions:
Episodic kinesigenic dyskinesia (EKD). Also called: Paroxysmal kinesigenic dyskinesia. Identifiers: Orphanet 98809, MedGen C1868682, MONDO:0044202.

Submission:

Labcorp Genetics (formerly Invitae), Labcorp
Classification: Pathogenic for Episodic kinesigenic dyskinesia. Last evaluated: 2022-03-14. Review status: criteria provided, single submitter. Criteria: Invitae Variant Classification Sherloc (09022015). Collection method: clinical testing. Allele origin: germline.
Comment: For these reasons, this variant has been classified as Pathogenic. Algorithms developed to predict the effect of sequence changes on RNA splicing suggest that this variant may create or strengthen a splice site. This premature translational stop signal has been observed in individual(s) with PRRT2-related conditions (PMID: 23077017). This variant is not present in population databases (gnomAD no frequency). This sequence change creates a premature translational stop signal (p.Ser248Alafs*65) in the PRRT2 gene. It is expected to result in an absent or disrupted protein product. Loss-of-function variants in PRRT2 are known to be pathogenic (PMID: 22623405, 22744660).

Literature cited by the submitters: PubMed 23077017; PubMed 22623405; PubMed 22744660.

NM_145239.3(PRRT2):c.742del (p.Ser248fs)

Genes: MVP-DT (MVP divergent transcript; minus strand), PRRT2 (proline rich transmembrane protein 2; plus strand). Cytogenetic location: 16p11.2.
Variant type: Deletion.
Coding change: c.742del on transcript NM_145239.3 (MANE Select); coding-DNA position 742, one base deleted (A; older notation c.742delA).
Protein change: p.Ser248fs; shifts the reading frame from serine 248.
Molecular consequence: frameshift variant.
Genome position (GRCh38, 1-based): chr16:29,813,796, A deleted. VCF-style (leftmost placement, unchanged base first): chr16-29813795-CA-C. GRCh37 (hg19) VCF-style: chr16-29825116-CA-C.
Other names: c.742del, p.Ser248fs (NM_001256442.2, NM_001256443.2); short protein forms S248fs.
Identifiers: ClinVar variation 1451433 (VCV001451433.6), dbSNP rs2142426594, ClinGen allele CA2573152283.